The following is an entry in ClinVar:

ClinVar aggregate classification (germline): Uncertain significance (1 of 4 stars; one submission).

Allele frequency attached by ClinVar (database versions not stated): gnomAD exomes below 0.00001; TOPMed 0.00001.
gnomAD v4.1: 5 of 1,211,658 alleles (0.00041%); highest among the groups gnomAD compares: East Asian, 0.003%; no homozygotes.

Submission:

GeneDx
Classification: Uncertain significance. Last evaluated: 2025-08-01. Review status: criteria provided, single submitter. Criteria: GeneDx Variant Classification Process June 2021. Collection method: clinical testing. Allele origin: germline.
Comment: Not observed at significant frequency in large population cohorts (gnomAD); In silico analysis supports that this missense variant does not alter protein structure/function; Has not been previously published as pathogenic or benign to our knowledge

NM_001278116.2(L1CAM):c.1414G>A (p.Glu472Lys)

Gene: L1CAM (L1 cell adhesion molecule; minus strand). Cytogenetic location: Xq28.
Variant type: single nucleotide variant.
Coding change: c.1414G>A on transcript NM_001278116.2 (MANE Select); coding-DNA position 1414, G replaced by A.
Protein change: p.Glu472Lys; replaces glutamic acid 472 with lysine.
Molecular consequence: missense variant.
Genome position (GRCh38, 1-based): chrX:153,868,693, C>T on the plus strand (G>A on the coding strand, the complement: L1CAM is on the minus strand). VCF-style: chrX-153868693-C-T. GRCh37 (hg19) VCF-style: chrX-153134148-C-T.
Other names: c.1414G>A, p.Glu472Lys (NM_000425.5, NM_024003.3); c.1399G>A, p.Glu467Lys (NM_001143963.2); short protein forms E467K, E472K.
Identifiers: ClinVar variation 1800749 (VCV001800749.2), dbSNP rs1383401794, ClinGen allele CA415126307.